The following is an entry in ClinVar:

NM_000017.4(ACADS):c.1012AAG[1] (p.Lys339del)

Gene: ACADS (acyl-CoA dehydrogenase short chain; plus strand). Cytogenetic location: 12q24.31.
Variant type: Microsatellite.
Coding change: c.1012AAG[1] on transcript NM_000017.4 (MANE Select); one copy of the 3-base unit AAG starting at c.1012; the reference has two copies in a row; one copy, 3 bases deleted; also written c.1015_1017del.
Protein change: p.Lys339del; deletes lysine 339.
Molecular consequence: inframe deletion.
Genome position (GRCh38, 1-based): chr12:120,738,901-120,738,903, AAG deleted; deleting any 3 consecutive bases within chr12:120,738,898-120,738,903 gives the same sequence; the position shown is the placement nearest the transcript's 3' end. VCF-style (leftmost placement, unchanged base first): chr12-120738897-CAAG-C. GRCh37 (hg19) VCF-style: chr12-121176700-CAAG-C.
Other names: c.1000AAG[1], p.Lys335del (NM_001302554.2); c.1015_1017del (NM_000017.4); short protein forms K335del, K339del.
Identifiers: ClinVar variation 4853959 (VCV004853959.1).

ClinVar aggregate classification (germline): Uncertain significance (1 of 4 stars; one submission).

Conditions:
Deficiency of butyryl-CoA dehydrogenase (ACADSD). Also called: SCAD Deficiency; ACADS DEFICIENCY; SCAD DEFICIENCY, MILD; ACYL-CoA DEHYDROGENASE, SHORT-CHAIN, DEFICIENCY OF; Short-Chain Acyl-CoA Dehydrogenase Deficiency; SCADH DEFICIENCY. Identifiers: Orphanet 26792, MedGen C0342783, MONDO:0008722, OMIM 201470. Disease mechanism: May be benign.

Submission:

3billion
Classification: Uncertain significance for Deficiency of butyryl-CoA dehydrogenase. Last evaluated: 2025-08-04. Review status: criteria provided, single submitter. Criteria: ACMG Guidelines, 2015. Collection method: clinical testing. Allele origin: germline. Affected: yes.
Comment: The variant is observed at an extremely low frequency in the gnomAD v4.1.0 dataset (total allele frequency: <0.001%). Predicted Consequence/Location: Inframe deletion located in a nonrepeat region: predicted to change the length of the protein and disrupt normal protein function. Therefore, this variant is classified as VUS according to the recommendation of ACMG/AMP guideline.